The following is an entry in ClinVar:

ClinVar aggregate classification (germline): Likely benign. Review status: reviewed by expert panel (3 of 4 stars). 5 submissions from 5 submitters: Likely benign (1). 4 of the submissions do not count toward it. Last evaluated 2017-06-29.

Conditions:
Hereditary breast ovarian cancer syndrome. Also called: Hereditary breast and ovarian cancer syndrome; Hereditary breast and ovarian cancer syndrome (HBOC); BRCA1- and BRCA2-Associated Hereditary Breast and Ovarian Cancer; Breast and ovarian cancer; Hereditary breast and ovarian cancer; Hereditary breast and/or ovarian cancer syndrome. Identifiers: Orphanet 145, MedGen C0677776, MeSH D061325, MONDO:0003582. Disease mechanism: loss of function.
Hereditary cancer-predisposing syndrome. Also called: Hereditary Cancer Syndrome; Hereditary neoplastic syndrome; Tumor predisposition; Neoplastic Syndromes, Hereditary. Identifiers: Orphanet 140162, MedGen C0027672, MeSH D009386, MONDO:0015356.
Breast-ovarian cancer, familial, susceptibility to, 1 (BROVCA1). Also called: OVARIAN CANCER, SUSCEPTIBILITY TO; BRCA1 Hereditary Breast and Ovarian Cancer. Identifiers: Orphanet 145, MedGen C2676676, MONDO:0011450, OMIM 604370. Disease mechanism: loss of function.

Submissions (5):

Evidence-based Network for the Interpretation of Germline Mutant Alleles (ENIGMA)
Classification: Likely benign for Breast-ovarian cancer, familial, susceptibility to, 1. Last evaluated: 2017-06-29. Review status: reviewed by expert panel. Criteria: ENIGMA BRCA1/2 Classification Criteria (2017-06-29). Collection method: curation. Allele origin: germline.
Comment: Synonymous substitution variant, with low bioinformatic likelihood to result in a splicing aberration (Splicing prior probability 0.02).

All of Us Research Program, National Institutes of Health
Classification: Likely benign for Breast-ovarian cancer, familial, susceptibility to, 1. Last evaluated: 2023-09-17. Review status: criteria provided, single submitter. Criteria: ACMG Guidelines, 2015. Collection method: clinical testing. Allele origin: germline. Inheritance: Autosomal dominant inheritance. Observed: 1 variant allele, 1 heterozygote. Not counted in ClinVar's aggregate classification.
Comment: This study involves interpretation of variants in research participants for the purpose of population health screening. Participant phenotype was not available at the time of variant classification. Additional details can be found in publication PMID: 35346344, PMCID: PMC8962531

Labcorp Genetics (formerly Invitae), Labcorp
Classification: Likely benign for Hereditary breast ovarian cancer syndrome. Last evaluated: 2022-08-21. Review status: criteria provided, single submitter. Criteria: Invitae Variant Classification Sherloc (09022015). Collection method: clinical testing. Allele origin: germline. Not counted in ClinVar's aggregate classification.

Color Diagnostics, LLC DBA Color Health
Classification: Likely benign for Hereditary cancer-predisposing syndrome. Last evaluated: 2019-01-14. Review status: criteria provided, single submitter. Criteria: ACMG Guidelines, 2015. Collection method: clinical testing. Allele origin: germline. Not counted in ClinVar's aggregate classification.

Ambry Genetics
Classification: Likely benign for Hereditary cancer-predisposing syndrome. Last evaluated: 2014-07-08. Review status: criteria provided, single submitter. Criteria: Ambry Variant Classification Scheme 2023. Collection method: clinical testing. Allele origin: germline. Not counted in ClinVar's aggregate classification.

NM_007294.4(BRCA1):c.1491C>G (p.Pro497=)

Gene: BRCA1 (BRCA1 DNA repair associated; minus strand). Cytogenetic location: 17q21.31.
Variant type: single nucleotide variant.
Coding change: c.1491C>G on transcript NM_007294.4 (MANE Select); coding-DNA position 1491, C replaced by G.
Protein change: p.Pro497=; no amino-acid change (proline 497 retained).
Molecular consequence: synonymous variant. On other transcripts: intron variant (137).
Genome position (GRCh38, 1-based): chr17:43,094,040, G>C on the plus strand (C>G on the coding strand, the complement: BRCA1 is on the minus strand). VCF-style: chr17-43094040-G-C. GRCh37 (hg19) VCF-style: chr17-41246057-G-C.
Other names: c.1290C>G, p.Pro430= (NM_001407862.1); c.1368C>G, p.Pro456= (NM_001407863.1, NM_001407919.1, NM_001407937.1 and 19 more transcripts); c.1287C>G, p.Pro429= (NM_001407874.1, NM_001407875.1); c.1281C>G, p.Pro427= (NM_001407879.1, NM_001407881.1, NM_001407882.1 and 13 more transcripts); c.1278C>G, p.Pro426= (NM_001407894.1, NM_001407895.1, NM_001407896.1 and 9 more transcripts); c.1227C>G, p.Pro409= (NM_001407920.1, NM_001407921.1, NM_001407922.1 and 9 more transcripts); c.1224C>G, p.Pro408= (NM_001407930.1, NM_001407931.1, NM_001407932.1 and 2 more transcripts); c.1365C>G, p.Pro455= (NM_001407940.1, NM_001407941.1, NM_001407649.1 and 11 more transcripts); and 40 more.
Identifiers: ClinVar variation 185686 (VCV000185686.16), dbSNP rs786202374, ClinGen allele CA000999.